The following is an entry in ClinVar:

ClinVar aggregate classification (germline): Likely pathogenic (1 of 4 stars; one submission).

Conditions:
Severe combined immunodeficiency, autosomal recessive, T cell-negative, B cell-negative, NK cell-positive. Also called: SCID, AR, T-cell negative, B-cell negative, NK cell-positive; SCID, T CELL-NEGATIVE, B CELL-NEGATIVE, NK CELL-POSITIVE; Severe combined immunodeficiency due to complete RAG1/2 deficiency. Identifiers: Orphanet 331206, MedGen C1832322, MONDO:0011086, OMIM 601457.
Combined immunodeficiency with skin granulomas. Identifiers: Orphanet 157949, MedGen C2673536, MONDO:0009306, OMIM 233650.

Submission:

Labcorp Genetics (formerly Invitae), Labcorp
Classification: Likely pathogenic for Combined immunodeficiency with skin granulomas; Severe combined immunodeficiency, autosomal recessive, T cell-negative, B cell-negative, NK cell-positive. Last evaluated: 2020-01-03. Review status: criteria provided, single submitter. Criteria: Invitae Variant Classification Sherloc (09022015). Collection method: clinical testing. Allele origin: germline.
Comment: In summary, the currently available evidence indicates that the variant is pathogenic, but additional data are needed to prove that conclusively. Therefore, this variant has been classified as Likely Pathogenic. This sequence change replaces leucine with proline at codon 411 of the RAG1 protein (p.Leu411Pro). The leucine residue is highly conserved and there is a moderate physicochemical difference between leucine and proline. This variant is not present in population databases (ExAC no frequency). This variant has been observed in individual(s) with severe combined immunodeficiency or Omenn syndrome with RAG1 reversion mosaicism (PMID: 24290284, 24817258). Experimental studies have shown that this missense change demonstrates disrupted recombination activity (PMID: 24290284, 24817258). Advanced modeling of protein sequence and biophysical properties (such as structural, functional, and spatial information, amino acid conservation, physicochemical variation, residue mobility, and thermodynamic stability) performed at Invitae indicates that this missense variant is expected to disrupt RAG1 protein function. Experimental studies have shown that this missense change demonstrates disrupted recombination activity (PMID: 24290284, 24817258).

Literature cited by the submitters: PubMed 24290284; PubMed 24817258.

NM_000448.3(RAG1):c.1232T>C (p.Leu411Pro)

Gene: RAG1 (recombination activating 1; plus strand). Cytogenetic location: 11p12.
Variant type: single nucleotide variant.
Coding change: c.1232T>C on transcript NM_000448.3 (MANE Select); coding-DNA position 1232, T replaced by C.
Protein change: p.Leu411Pro; replaces leucine 411 with proline.
Molecular consequence: missense variant.
Genome position (GRCh38, 1-based): chr11:36,574,536, T>C. VCF-style: chr11-36574536-T-C. GRCh37 (hg19) VCF-style: chr11-36596086-T-C.
Other names: c.1232T>C, p.Leu411Pro (NM_001377277.1, NM_001377278.1, NM_001377279.1 and 1 more transcripts); short protein forms L411P.
Identifiers: ClinVar variation 469111 (VCV000469111.10), dbSNP rs1554944877, ClinGen allele CA380152001.